The following is an entry in ClinVar:

NM_003036.4(SKI):c.1827G>A (p.Lys609=)

Gene: SKI (SKI proto-oncogene; plus strand). Cytogenetic location: 1p36.32.
Variant type: single nucleotide variant.
Coding change: c.1827G>A on transcript NM_003036.4 (MANE Select); coding-DNA position 1827, G replaced by A.
Protein change: p.Lys609=; no amino-acid change (lysine 609 retained).
Molecular consequence: synonymous variant.
Genome position (GRCh38, 1-based): chr1:2,306,079, G>A. VCF-style: chr1-2306079-G-A. GRCh37 (hg19) VCF-style: chr1-2237518-G-A.
Identifiers: ClinVar variation 1593207 (VCV001593207.9), dbSNP rs1324710541, ClinGen allele CA415775011.
Genomic context (GRCh38, chr1:2,306,079, plus strand): 5'-GGAGCTGGAGTTCCTACGCGTGGCCAAGAAGGAGAAGCTGCGGGAGGCCACGGAGGCCAA[G>A]CGTAACCTGCGGAAGGAGATCGAGCGTCTCCGCGCCGAGAACGAGAAGAAGATGAAAGAG-3'
Protein context (NP_003027.1, residues 599-619): KEKLREATEA[Lys609=]RNLRKEIERL

ClinVar aggregate classification (germline): Likely benign. Review status: criteria provided, multiple submitters, no conflicts (2 of 4 stars). 2 submissions from 2 submitters: Likely benign (2). Last evaluated 2025-06-10.

Conditions:
Shprintzen-Goldberg syndrome (SGS). Also called: Marfanoid disorder with craniosynostosis type 1; Marfanoid craniosynostosis syndrome; Shprintzen-Goldberg marfanoid syndrome; SHPRINTZEN-GOLDBERG CRANIOSYNOSTOSIS SYNDROME; CRANIOSYNOSTOSIS WITH ARACHNODACTYLY AND ABDOMINAL HERNIAS. Identifiers: Orphanet 2462, MedGen C1321551, MONDO:0008426, OMIM 182212.

Allele frequency attached by ClinVar (database versions not stated): TOPMed below 0.00001.

Submissions (2):

Labcorp Genetics (formerly Invitae), Labcorp
Classification: Likely benign for Shprintzen-Goldberg syndrome. Last evaluated: 2025-06-10. Review status: criteria provided, single submitter. Criteria: Invitae Variant Classification Sherloc (09022015). Collection method: clinical testing. Allele origin: germline.

GeneDx
Classification: Likely benign. Last evaluated: 2021-11-12. Review status: criteria provided, single submitter. Criteria: GeneDx Variant Classification Process June 2021. Collection method: clinical testing. Allele origin: germline. Affected: yes.
Comment: See Variant Classification Assertion Criteria.